The following is an entry in ClinVar:

ClinVar aggregate classification (germline): Likely pathogenic (1 of 4 stars; one submission).

Conditions:
MYPN-related myopathy (CMYO24). Also called: Nemaline myopathy 11, autosomal recessive. Identifiers: MedGen C4479186, MONDO:0015023, OMIM 617336.

Submission:

Kariminejad - Najmabadi Pathology & Genetics Center
Classification: Likely pathogenic for MYPN-related myopathy. Last evaluated: 2022-09-22. Review status: criteria provided, single submitter. Criteria: ACMG Guidelines, 2015. Collection method: clinical testing. Allele origin: germline. Inheritance: Autosomal recessive inheritance. Affected: yes.
Comment: PM2,PVS1-Strong,PM1?

NM_032578.4(MYPN):c.2603_2613del (p.Pro868fs)

Gene: MYPN (myopalladin; plus strand). Cytogenetic location: 10q21.3.
Variant type: Deletion.
Coding change: c.2603_2613del on transcript NM_032578.4 (MANE Select); coding-DNA positions 2603 to 2613, 11 bases deleted (CTCAACCAGTG).
Protein change: p.Pro868fs; shifts the reading frame from proline 868.
Molecular consequence: frameshift variant. On other transcripts: non-coding transcript variant (1).
Genome position (GRCh38, 1-based): chr10:68,175,361-68,175,371, CTCAACCAGTG deleted. VCF-style (leftmost placement, unchanged base first): chr10-68175360-CCTCAACCAGTG-C. GRCh37 (hg19) VCF-style: chr10-69935117-CCTCAACCAGTG-C.
Other names: c.2603_2613del, p.Pro868fs (NM_001256267.2); c.1721_1731del, p.Pro574fs (NM_001256268.2); c.2603_2613delCTCAACCAGTG (NM_032578.4); short protein forms P574fs, P868fs.
Identifiers: ClinVar variation 3896927 (VCV003896927.1).